The following is an entry in ClinVar:

NM_020824.4(ARHGAP21):c.5214A>G (p.Lys1738=)

Gene: ARHGAP21 (Rho GTPase activating protein 21; minus strand). Cytogenetic location: 10p12.1.
Variant type: single nucleotide variant.
Coding change: c.5214A>G on transcript NM_020824.4 (MANE Select); coding-DNA position 5214, A replaced by G.
Protein change: p.Lys1738=; no amino-acid change (lysine 1738 retained).
Molecular consequence: synonymous variant. On other transcripts: non-coding transcript variant (5).
Genome position (GRCh38, 1-based): chr10:24,585,075, T>C on the plus strand (A>G on the coding strand, the complement: ARHGAP21 is on the minus strand). VCF-style: chr10-24585075-T-C. GRCh37 (hg19) VCF-style: chr10-24874004-T-C.
Other names: c.5184A>G, p.Lys1728= (NM_001367447.1, NM_001367451.1, NM_001367453.1); c.5214A>G, p.Lys1738= (NM_001367448.1, NM_001367454.1); c.4920A>G, p.Lys1640= (NM_001367449.1, NM_001367450.1); c.4743A>G, p.Lys1581= (NM_001367452.1); c.4575A>G, p.Lys1525= (NM_001367455.1).
Identifiers: ClinVar variation 2640351 (VCV002640351.24), dbSNP rs772580600, ClinGen allele CA5440844.
Genomic context (GRCh38, chr10:24,585,075, plus strand): 5'-TTCCTGTTTTTCGGATTCGCCTCTGGTGGGTGTCAGTAAACTCCCAGTTGACTTTCCTTT[T>C]TTCATAACATCAAACACTTTAGTTAACGAAGGTGCTTCTTTCTCATTCTTGGCATCTCCT-3'
Protein context (NP_065875.3, residues 1728-1748): PSLTKVFDVM[Lys1738=]KGKSTGSLLT

ClinVar aggregate classification (germline): Likely benign (1 of 4 stars; one submission).

Allele frequency attached by ClinVar (database versions not stated): gnomAD 0.00001; TOPMed 0.00001; ExAC 0.00002; gnomAD exomes 0.00002.
gnomAD v4.1: 32 of 1,613,692 alleles (0.002%); highest among the groups gnomAD compares: Non-Finnish European, 0.0025%; no homozygotes.

Submission:

CeGaT Center for Human Genetics Tuebingen
Classification: Likely benign. Last evaluated: 2023-02-01. Review status: criteria provided, single submitter. Criteria: CeGaT Center For Human Genetics Tuebingen Variant Classification Criteria Version 2. Collection method: clinical testing. Allele origin: germline. Affected: yes. Observed: 1 variant allele.
Comment: ARHGAP21: BP4, BP7